The following is an entry in ClinVar:

ClinVar aggregate classification (germline): Uncertain significance (1 of 4 stars; one submission).

gnomAD v4.1: 4 of 1,612,686 alleles (0.00025%); highest among the groups gnomAD compares: Non-Finnish European, 0.00034%; no homozygotes.

Submission:

Labcorp Genetics (formerly Invitae), Labcorp
Classification: Uncertain significance. Last evaluated: 2023-02-02. Review status: criteria provided, single submitter. Criteria: Invitae Variant Classification Sherloc (09022015). Collection method: clinical testing. Allele origin: germline.
Comment: This sequence change falls in intron 10 of the PDE2A gene. It does not directly change the encoded amino acid sequence of the PDE2A protein. It affects a nucleotide within the consensus splice site. In summary, the available evidence is currently insufficient to determine the role of this variant in disease. Therefore, it has been classified as a Variant of Uncertain Significance. Variants that disrupt the consensus splice site are a relatively common cause of aberrant splicing (PMID: 17576681, 9536098). Algorithms developed to predict the effect of sequence changes on RNA splicing suggest that this variant is not likely to affect RNA splicing. This variant has not been reported in the literature in individuals affected with PDE2A-related conditions. This variant is not present in population databases (gnomAD no frequency).

Literature cited by the submitters: PubMed 17576681; PubMed 9536098.

NM_002599.5(PDE2A):c.831+6G>A

Gene: PDE2A (phosphodiesterase 2A; minus strand). Cytogenetic location: 11q13.4.
Variant type: single nucleotide variant.
Coding change: c.831+6G>A on transcript NM_002599.5 (MANE Select); 6 bases into the intron after coding-DNA position 831, G replaced by A.
Molecular consequence: intron variant.
Genome position (GRCh38, 1-based): chr11:72,589,901, C>T on the plus strand (G>A on the coding strand, the complement: PDE2A is on the minus strand). VCF-style: chr11-72589901-C-T. GRCh37 (hg19) VCF-style: chr11-72300945-C-T.
Other names: c.804+6G>A (NM_001146209.3); c.810+6G>A (NM_001143839.4); c.768+6G>A (NM_001243784.2).
Identifiers: ClinVar variation 2825301 (VCV002825301.3), dbSNP rs1477997659, ClinGen allele CA679984810.